The following is an entry in ClinVar:

ClinVar aggregate classification (germline): Conflicting classifications of pathogenicity. Review status: criteria provided, conflicting classifications (1 of 4 stars). 3 submissions from 3 submitters: Uncertain significance (2); Likely benign (1). Last evaluated 2025-12-26.

Conditions:
Inborn genetic diseases. Identifiers: MedGen C0950123, MeSH D030342.

Allele frequency attached by ClinVar (database versions not stated): gnomAD exomes 0.00010; ExAC 0.00012; ESP Exome Variant Server 0.00031; TOPMed 0.00040.
gnomAD v4.1: 93 of 1,613,148 alleles (0.0058%); highest among the groups gnomAD compares: African/African-American, 0.11%; no homozygotes.

Submissions (3):

Labcorp Genetics (formerly Invitae), Labcorp
Classification: Likely benign. Last evaluated: 2025-12-26. Review status: criteria provided, single submitter. Criteria: Invitae Variant Classification Sherloc (09022015). Collection method: clinical testing. Allele origin: germline.

Ambry Genetics
Classification: Uncertain significance for Inborn genetic diseases. Last evaluated: 2023-12-07. Review status: criteria provided, single submitter. Criteria: Ambry Variant Classification Scheme 2023. Collection method: clinical testing. Allele origin: germline.

GeneDx
Classification: Uncertain significance. Last evaluated: 2023-06-20. Review status: criteria provided, single submitter. Criteria: GeneDx Variant Classification Process June 2021. Collection method: clinical testing. Allele origin: germline. Affected: yes.
Comment: In silico analysis supports that this missense variant does not alter protein structure/function; Has not been previously published as pathogenic or benign to our knowledge

NM_032888.4(COL27A1):c.3262C>A (p.Pro1088Thr)

Gene: COL27A1 (collagen type XXVII alpha 1 chain; plus strand). Cytogenetic location: 9q32.
Variant type: single nucleotide variant.
Coding change: c.3262C>A on transcript NM_032888.4 (MANE Select); coding-DNA position 3262, C replaced by A.
Protein change: p.Pro1088Thr; replaces proline 1088 with threonine.
Molecular consequence: missense variant.
Genome position (GRCh38, 1-based): chr9:114,264,936, C>A. VCF-style: chr9-114264936-C-A. GRCh37 (hg19) VCF-style: chr9-117027216-C-A.
Other names: short protein forms P1088T.
Identifiers: ClinVar variation 1141619 (VCV001141619.14), dbSNP rs146162741, ClinGen allele CA5202376.
Genomic context (GRCh38, chr9:114,264,936, plus strand): 5'-GTCCTCCCAAGCACCCTCTCCCACCTTCACGTGCTCTGCTTCCCACAGGGCCCTCCAGGA[C>A]CCCAGGGCAGACCGGGCCGGCCTGGACAGCAGGTATGTCAGGCCAAGGCCAAGCAGGCCA-3'
Protein context (NP_116277.2, residues 1078-1098): GSRGLKGPPG[Pro1088Thr]QGRPGRPGQQ